The following is an entry in ClinVar:

ClinVar aggregate classification (germline): Uncertain significance. Review status: criteria provided, multiple submitters, no conflicts (2 of 4 stars). 2 submissions from 2 submitters: Uncertain significance (2). Last evaluated 2025-06-06.

Conditions:
Hereditary cancer-predisposing syndrome. Also called: Neoplastic Syndromes, Hereditary; Tumor predisposition; Hereditary neoplastic syndrome; Hereditary Cancer Syndrome. Identifiers: Orphanet 140162, MedGen C0027672, MeSH D009386, MONDO:0015356.
EGFR-related lung cancer (EGFR). Identifiers: MedGen CN130014.

Submissions (2):

Ambry Genetics
Classification: Uncertain significance for Hereditary cancer-predisposing syndrome. Last evaluated: 2025-06-06. Review status: criteria provided, single submitter. Criteria: Ambry Variant Classification Scheme 2023. Collection method: clinical testing. Allele origin: germline.
Comment: The p.V30D variant (also known as c.89T>A) is located in coding exon 2 of the EGFR gene. The valine at codon 30 is replaced by aspartic acid, an amino acid with highly dissimilar properties. This change occurs in the first base pair of coding exon 2. This amino acid position is conserved. In addition, this alteration is predicted to be deleterious by in silico analysis. Based on the available evidence, the clinical significance of this variant remains unclear.

Labcorp Genetics (formerly Invitae), Labcorp
Classification: Uncertain significance for EGFR-related lung cancer. Last evaluated: 2022-07-19. Review status: criteria provided, single submitter. Criteria: Invitae Variant Classification Sherloc (09022015). Collection method: clinical testing. Allele origin: germline.
Comment: In summary, the available evidence is currently insufficient to determine the role of this variant in disease. Therefore, it has been classified as a Variant of Uncertain Significance. Algorithms developed to predict the effect of missense changes on protein structure and function are either unavailable or do not agree on the potential impact of this missense change (SIFT: "Deleterious"; PolyPhen-2: "Possibly Damaging"; Align-GVGD: "Class C0"). ClinVar contains an entry for this variant (Variation ID: 1355043). This variant has not been reported in the literature in individuals affected with EGFR-related conditions. This variant is not present in population databases (gnomAD no frequency). This sequence change replaces valine, which is neutral and non-polar, with aspartic acid, which is acidic and polar, at codon 30 of the EGFR protein (p.Val30Asp).

NM_005228.5(EGFR):c.89T>A (p.Val30Asp)

Gene: EGFR (epidermal growth factor receptor; plus strand). Cytogenetic location: 7p11.2.
Variant type: single nucleotide variant.
Coding change: c.89T>A on transcript NM_005228.5 (MANE Select); coding-DNA position 89, T replaced by A.
Protein change: p.Val30Asp; replaces valine 30 with aspartic acid.
Molecular consequence: missense variant. On other transcripts: 5 prime UTR variant (1), intron variant (1).
Genome position (GRCh38, 1-based): chr7:55,142,286, T>A. VCF-style: chr7-55142286-T-A. GRCh37 (hg19) VCF-style: chr7-55209979-T-A.
Other names: c.89T>A (NM_005228.3); c.89T>A, p.Val30Asp (NM_001346897.2, NM_001346898.2, NM_001346899.2 and 3 more transcripts); c.-71T>A (NM_001346900.2); c.89-13544T>A (NM_001346941.2); short protein forms V30D.
Identifiers: ClinVar variation 1355043 (VCV001355043.9), dbSNP rs1794501851, ClinGen allele CA367574043.